The following is an entry in ClinVar:

NM_006949.4(STXBP2):c.1762G>T (p.Glu588Ter)

Gene: STXBP2 (syntaxin binding protein 2; plus strand). Cytogenetic location: 19p13.2.
Variant type: single nucleotide variant.
Coding change: c.1762G>T on transcript NM_006949.4 (MANE Select); coding-DNA position 1762, G replaced by T.
Protein change: p.Glu588Ter; replaces glutamic acid 588 with a stop codon.
Molecular consequence: nonsense. On other transcripts: non-coding transcript variant (1).
Genome position (GRCh38, 1-based): chr19:7,647,790, G>T. VCF-style: chr19-7647790-G-T. GRCh37 (hg19) VCF-style: chr19-7712676-G-T.
Other names: c.1753G>T, p.Glu585Ter (NM_001127396.3); c.1795G>T, p.Glu599Ter (NM_001272034.2); short protein forms E585*, E599*, E588*.
Identifiers: ClinVar variation 1369295 (VCV001369295.8), dbSNP rs1268122676, ClinGen allele CA403162428.

ClinVar aggregate classification (germline): Uncertain significance (1 of 4 stars; one submission).

Conditions:
Familial hemophagocytic lymphohistiocytosis 5. Also called: STXBP2-Related Familial Hemophagocytic Lymphohistiocytosis (STXBP2-fHLH). Identifiers: Orphanet 540, MedGen C2751293, MONDO:0013135, OMIM 613101.

Allele frequency attached by ClinVar (database versions not stated): TOPMed below 0.00001; gnomAD 0.00001; gnomAD exomes below 0.00001.
gnomAD v4.1: 5 of 1,613,876 alleles (0.00031%); highest among the groups gnomAD compares: African/African-American, 0.0027%; no homozygotes.

Submission:

Labcorp Genetics (formerly Invitae), Labcorp
Classification: Uncertain significance for Familial hemophagocytic lymphohistiocytosis 5. Last evaluated: 2021-04-11. Review status: criteria provided, single submitter. Criteria: Invitae Variant Classification Sherloc (09022015). Collection method: clinical testing. Allele origin: germline.
Comment: In summary, the available evidence is currently insufficient to determine the role of this variant in disease. Therefore, it has been classified as a Variant of Uncertain Significance. Experimental studies and prediction algorithms are not available or were not evaluated, and the functional significance of this variant is currently unknown. This variant has not been reported in the literature in individuals with STXBP2-related conditions. This variant is not present in population databases (ExAC no frequency). This sequence change creates a premature translational stop signal (p.Glu588*) in the STXBP2 gene. While this is not anticipated to result in nonsense mediated decay, it is expected to disrupt the last 6 amino acid(s) of the STXBP2 protein.